The following is an entry in ClinVar:

ClinVar aggregate classification (germline): Uncertain significance. Review status: criteria provided, multiple submitters, no conflicts (2 of 4 stars). 2 submissions from 2 submitters: Uncertain significance (2). Last evaluated 2026-08-06.

Conditions:
MYO15A-related disorder. Also called: MYO15A-related condition.

Allele frequency attached by ClinVar (database versions not stated): gnomAD exomes 0.00003 and 0.00007; ExAC 0.00004; gnomAD 0.00004 and 0.00005; TOPMed 0.00006; ESP Exome Variant Server 0.00008.
gnomAD v4.1: 106 of 1,613,416 alleles (0.0066%); highest among the groups gnomAD compares: South Asian, 0.0088%; no homozygotes.

Submissions (2):

PreventionGenetics, part of Exact Sciences
Classification: Uncertain significance for MYO15A-related condition. Last evaluated: 2026-08-06. Review status: criteria provided, single submitter. Criteria: ACMG Guidelines, 2015. Collection method: clinical testing. Allele origin: germline.
Comment: The MYO15A c.9703G>A variant is predicted to result in the amino acid substitution p.Val3235Met. To our knowledge, this variant has not been reported in the literature. This variant is reported in 0.0066% of alleles in individuals of South Asian descent in gnomAD. At this time, the clinical significance of this variant is uncertain due to the absence of conclusive functional and genetic evidence.

GeneDx
Classification: Uncertain significance. Last evaluated: 2024-03-15. Review status: criteria provided, single submitter. Criteria: GeneDx Variant Classification Process June 2021. Collection method: clinical testing. Allele origin: germline. Affected: yes.
Comment: Not observed at significant frequency in large population cohorts (gnomAD); In silico analysis supports that this missense variant does not alter protein structure/function; Has not been previously published as pathogenic or benign to our knowledge

NM_016239.4(MYO15A):c.9703G>A (p.Val3235Met)

Gene: MYO15A (myosin XVA; plus strand). Cytogenetic location: 17p11.2.
Variant type: single nucleotide variant.
Coding change: c.9703G>A on transcript NM_016239.4 (MANE Select); coding-DNA position 9703, G replaced by A.
Protein change: p.Val3235Met; replaces valine 3235 with methionine.
Molecular consequence: missense variant.
Genome position (GRCh38, 1-based): chr17:18,163,754, G>A. VCF-style: chr17-18163754-G-A. GRCh37 (hg19) VCF-style: chr17-18067068-G-A.
Other names: short protein forms V3235M.
Identifiers: ClinVar variation 1691203 (VCV001691203.4), dbSNP rs200223917, ClinGen allele CA8425660.
Genomic context (GRCh38, chr17:18,163,754, plus strand): 5'-AGGTCAAGCCCAACTGGCATGGCCTCATCTCTTCCGCCCCACCCCCAGGTGGCCCTGGAC[G>A]TGGTGGAAGAGATATGTGCTGAGATGGCTCTGACACGCCCTGAGGCCTTCAATGAATATG-3'
Protein context (NP_057323.3, residues 3225-3245): KIKTCTVALD[Val3235Met]VEEICAEMAL